The following is an entry in ClinVar:

ClinVar aggregate classification (germline): Benign. Review status: criteria provided, multiple submitters, no conflicts (2 of 4 stars). 7 submissions from 5 submitters: Benign (7). Last evaluated 2025-08-29.

Conditions:
Infantile hypophosphatasia. Identifiers: Orphanet 247651, Orphanet 436, MedGen C0268412, MONDO:1010169, OMIM 241500, MONDO:0009427.
Adult hypophosphatasia. Identifiers: Orphanet 247676, Orphanet 436, MedGen C0268413, MONDO:1010154, OMIM 146300, MONDO:0007798.
Childhood hypophosphatasia. Identifiers: Orphanet 247667, Orphanet 436, MedGen C0220743, MONDO:1010168, OMIM 241510, MONDO:0009428.
Hypophosphatasia. Also called: Phosphoethanol-aminuria. Identifiers: Orphanet 436, MedGen C0020630, MeSH D007014, MONDO:0018570.

Allele frequency attached by ClinVar (database versions not stated): gnomAD 0.08592 and 0.07555; 1000 Genomes Project 30x 0.17130; TOPMed 0.08862; gnomAD exomes 0.09269 and 0.13304; ExAC 0.12404; ESP Exome Variant Server 0.05052; 1000 Genomes Project 0.17991.
gnomAD v4.1: 148,816 of 1,610,428 alleles (9.2%); highest among the groups gnomAD compares: East Asian, 50%; 12,691 homozygotes.

Submissions (7):

Genomenon, Inc
Classification: Benign for Hypophosphatasia. Last evaluated: 2025-08-29. Review status: criteria provided, single submitter. Criteria: Genomenon Sequence Variant Interpretation Standards. Collection method: curation. Allele origin: germline. Affected: no.
Comment: ALPL c.1309+46C>T is an intronic variant located in intron 11. This variant is present at high allele frequency in population databases. In conclusion, we classify ALPL c.1309+46C>T as a benign variant.

Genome-Nilou Lab
Classification: Benign for Infantile hypophosphatasia. Last evaluated: 2021-07-01. Review status: criteria provided, single submitter. Criteria: ACMG Guidelines, 2015. Collection method: clinical testing. Allele origin: germline. Affected: no.

Genome-Nilou Lab
Classification: Benign for Childhood hypophosphatasia. Last evaluated: 2021-07-01. Review status: criteria provided, single submitter. Criteria: ACMG Guidelines, 2015. Collection method: clinical testing. Allele origin: germline. Affected: no.

Genome-Nilou Lab
Classification: Benign for Adult hypophosphatasia. Last evaluated: 2021-07-01. Review status: criteria provided, single submitter. Criteria: ACMG Guidelines, 2015. Collection method: clinical testing. Allele origin: germline. Affected: no.

GeneDx
Classification: Benign. Last evaluated: 2018-08-20. Review status: criteria provided, single submitter. Criteria: GeneDx Variant Classification Process June 2021. Collection method: clinical testing. Allele origin: germline. Affected: yes.

Breakthrough Genomics
Classification: Benign. Review status: criteria provided, single submitter. Criteria: ACMG Guidelines, 2015. Collection method: not provided. Allele origin: germline. Inheritance: Autosomal recessive inheritance. Affected: yes.

PreventionGenetics, part of Exact Sciences
Classification: Benign. Review status: criteria provided, single submitter. Criteria: ACMG Guidelines, 2015. Collection method: clinical testing. Allele origin: germline.

NM_000478.6(ALPL):c.1309+46C>T

Gene: ALPL (alkaline phosphatase, biomineralization associated; plus strand). Cytogenetic location: 1p36.12.
Variant type: single nucleotide variant.
Coding change: c.1309+46C>T on transcript NM_000478.6 (MANE Select); 46 bases into the intron after coding-DNA position 1309, C replaced by T.
Molecular consequence: intron variant.
Genome position (GRCh38, 1-based): chr1:21,576,687, C>T. VCF-style: chr1-21576687-C-T. GRCh37 (hg19) VCF-style: chr1-21903180-C-T.
Other names: c.1309+46C>T (NM_001369805.2, NM_001369804.2, NM_001369803.2); c.1144+46C>T (NM_001127501.4); c.1078+46C>T (NM_001177520.3).
Identifiers: ClinVar variation 256227 (VCV000256227.9), dbSNP rs4654760, ClinGen allele CA666805.
Genomic context (GRCh38, chr1:21,576,687, plus strand): 5'-CCATGGTGGACTATGGTGAGACCTCCAGGACCCAGGGCTGGGAGGGGACAGGGCACCCCT[C>T]GGGGATGGGCTTGGGAATAGGGTGTCAGCTTGTGGTCAAGGTCAGGGGTCTCAGAATGAC-3'